The following is an entry in ClinVar:

ClinVar aggregate classification (germline): Uncertain significance (1 of 4 stars; one submission).

Conditions:
Menke-Hennekam syndrome 1 (MKHK1). Identifiers: MedGen C5193034, MONDO:0020763, OMIM 618332.
Rubinstein-Taybi syndrome due to CREBBP mutations (RSTS1). Also called: CREBBP-Related Rubinstein-Taybi Syndrome; RUBINSTEIN SYNDROME; RUBINSTEIN-TAYBI SYNDROME 1, INCOMPLETE; BROAD THUMB-HALLUX SYNDROME; BROAD THUMBS AND GREAT TOES, CHARACTERISTIC FACIES, AND IMPAIRED INTELLECTUAL DEVELOPMENT; Rubinstein-Taybi syndrome 1. Identifiers: Orphanet 353277, Orphanet 783, MedGen C4551859, MONDO:0008393, OMIM 180849.

Submission:

Juno Genomics, Hangzhou Juno Genomics, Inc
Classification: Uncertain significance for Menke-Hennekam syndrome 1; Rubinstein-Taybi syndrome due to CREBBP mutations. Review status: criteria provided, single submitter. Criteria: ACMG Guidelines, 2015. Collection method: clinical testing. Allele origin: germline.
Comment: Absent from controls (or at extremely low frequency if recessive) in Genome Aggregation Database.;Multiple lines of computational evidence support a deleterious effect on the gene or gene product.;Missense variant in a gene that has a low rate of benign missense variation.

NM_004380.3(CREBBP):c.4052A>T (p.His1351Leu)

Gene: CREBBP (CREB binding lysine acetyltransferase; minus strand). Cytogenetic location: 16p13.3.
Variant type: single nucleotide variant.
Coding change: c.4052A>T on transcript NM_004380.3 (MANE Select); coding-DNA position 4052, A replaced by T.
Protein change: p.His1351Leu; replaces histidine 1351 with leucine.
Molecular consequence: missense variant.
Genome position (GRCh38, 1-based): chr16:3,740,480, T>A on the plus strand (A>T on the coding strand, the complement: CREBBP is on the minus strand). VCF-style: chr16-3740480-T-A. GRCh37 (hg19) VCF-style: chr16-3790481-T-A.
Other names: c.3938A>T, p.His1313Leu (NM_001079846.1); short protein forms H1313L, H1351L.
Identifiers: ClinVar variation 5019864 (VCV005019864.2).
Genomic context (GRCh38, chr16:3,740,480, plus strand): 5'-ACCTCCACCGTCTTGTCTGAGCTGGCCACCACTCGGACAAAAACCTCCCCGGCTTCAGGG[T>A]GATTCTGGCGCCGCAAAAATTTGTTCACTCGGTCTTCCAAGTGGTTTCCCAGTCTTGTGG-3'
Protein context (NP_004371.2, residues 1341-1361): RVNKFLRRQN[His1351Leu]PEAGEVFVRV